The following is an entry in ClinVar:

NM_000384.3(APOB):c.8465T>A (p.Leu2822Gln)

Gene: APOB (apolipoprotein B; minus strand). Cytogenetic location: 2p24.1.
Variant type: single nucleotide variant.
Coding change: c.8465T>A on transcript NM_000384.3 (MANE Select); coding-DNA position 8465, T replaced by A.
Protein change: p.Leu2822Gln; replaces leucine 2822 with glutamine.
Molecular consequence: missense variant.
Genome position (GRCh38, 1-based): chr2:21,008,403, A>T on the plus strand (T>A on the coding strand, the complement: APOB is on the minus strand). VCF-style: chr2-21008403-A-T. GRCh37 (hg19) VCF-style: chr2-21231275-A-T.
Other names: short protein forms L2822Q.
Identifiers: ClinVar variation 1378494 (VCV001378494.6), dbSNP rs2103354315, ClinGen allele CA345994070.

ClinVar aggregate classification (germline): Uncertain significance (1 of 4 stars; one submission).

Conditions:
Familial hypobetalipoproteinemia 1. Also called: APOB-Related Familial Hypobetalipoproteinemia; Hypobetalipoproteinemia, normotriglyceridemic; Acanthocytosis with hypobetalipoproteinemia. Identifiers: MedGen C4551990, MONDO:0014252, OMIM 615558.
Hypercholesterolemia, autosomal dominant, type B (FHCL2). Also called: Familial Hypercholesterolemia Type B; APOLIPOPROTEIN B-100, FAMILIAL DEFECTIVE; APOLIPOPROTEIN B-100, FAMILIAL LIGAND-DEFECTIVE; HYPERCHOLESTEROLEMIA, FAMILIAL, DUE TO LIGAND-DEFECTIVE APOLIPOPROTEIN B; APOB-Related Familial Hypercholesterolemia, Autosomal Dominant; Familial hypercholesterolemia 2. Identifiers: MedGen C1704417, MONDO:0007751, OMIM 144010.

gnomAD v4.1: 1 of 1,614,052 alleles (0.000062%); no homozygotes.

Submission:

Labcorp Genetics (formerly Invitae), Labcorp
Classification: Uncertain significance for Familial hypobetalipoproteinemia 1; Hypercholesterolemia, autosomal dominant, type B. Last evaluated: 2021-08-29. Review status: criteria provided, single submitter. Criteria: Invitae Variant Classification Sherloc (09022015). Collection method: clinical testing. Allele origin: germline.
Comment: This sequence change replaces leucine with glutamine at codon 2822 of the APOB protein (p.Leu2822Gln). The leucine residue is weakly conserved and there is a moderate physicochemical difference between leucine and glutamine. This variant is not present in population databases (ExAC no frequency). This variant has not been reported in the literature in individuals affected with APOB-related conditions. Algorithms developed to predict the effect of missense changes on protein structure and function are either unavailable or do not agree on the potential impact of this missense change (SIFT: "Deleterious"; PolyPhen-2: "Possibly Damaging"; Align-GVGD: "Class C0"). Algorithms developed to predict the effect of sequence changes on RNA splicing suggest that this variant may create or strengthen a splice site. In summary, the available evidence is currently insufficient to determine the role of this variant in disease. Therefore, it has been classified as a Variant of Uncertain Significance.